The following is an entry in ClinVar:

ClinVar aggregate classification (germline): Uncertain significance (1 of 4 stars; one submission).

Conditions:
Autosomal dominant hypocalcemia 1 (HYPOC1). Also called: HYPOCALCEMIA, FAMILIAL. Identifiers: MedGen C3715128, MONDO:0011013, OMIM 601198.
Familial hypocalciuric hypercalcemia (FHH). Also called: Familial benign hypercalcemia. Identifiers: Orphanet 405, MedGen C1809471, MONDO:0018458.

Submission:

Labcorp Genetics (formerly Invitae), Labcorp
Classification: Uncertain significance for Familial hypocalciuric hypercalcemia; Autosomal dominant hypocalcemia 1. Last evaluated: 2019-05-30. Review status: criteria provided, single submitter. Criteria: Invitae Variant Classification Sherloc (09022015). Collection method: clinical testing. Allele origin: germline.
Comment: This sequence change replaces threonine with isoleucine at codon 211 of the CASR protein (p.Thr211Ile). The threonine residue is highly conserved and there is a moderate physicochemical difference between threonine and isoleucine. This variant is not present in population databases (ExAC no frequency). This variant has not been reported in the literature in individuals with CASR-related conditions. Algorithms developed to predict the effect of missense changes on protein structure and function are either unavailable or do not agree on the potential impact of this missense change (SIFT: "Deleterious"; PolyPhen-2: "Possibly Damaging"; Align-GVGD: "Class C15"). In summary, the available evidence is currently insufficient to determine the role of this variant in disease. Therefore, it has been classified as a Variant of Uncertain Significance.

NM_000388.4(CASR):c.632C>T (p.Thr211Ile)

Gene: CASR (calcium sensing receptor; plus strand). Cytogenetic location: 3q21.1.
Variant type: single nucleotide variant.
Coding change: c.632C>T on transcript NM_000388.4 (MANE Select); coding-DNA position 632, C replaced by T.
Protein change: p.Thr211Ile; replaces threonine 211 with isoleucine.
Molecular consequence: missense variant.
Genome position (GRCh38, 1-based): chr3:122,261,667, C>T. VCF-style: chr3-122261667-C-T. GRCh37 (hg19) VCF-style: chr3-121980514-C-T.
Other names: c.632C>T, p.Thr211Ile (NM_001178065.2); short protein forms T211I.
Identifiers: ClinVar variation 952192 (VCV000952192.10), dbSNP rs2074624103, ClinGen allele CA354151012.
Genomic context (GRCh38, chr3:122,261,667, plus strand): 5'-AGCACCAGGCCACTGCCATGGCAGACATCATCGAGTATTTCCGCTGGAACTGGGTGGGCA[C>T]AATTGCAGCTGATGACGACTATGGGCGGCCGGGGATTGAGAAATTCCGAGAGGAAGCTGA-3'
Protein context (NP_000379.3, residues 201-221): IEYFRWNWVG[Thr211Ile]IAADDDYGRP